The following is an entry in ClinVar:

NM_012434.5(SLC17A5):c.72G>C (p.Pro24=)

Genes: SLC17A5 (solute carrier family 17 member 5; minus strand), LOC129996727 (ATAC-STARR-seq lymphoblastoid silent region 17338; plus strand). Cytogenetic location: 6q13.
Variant type: single nucleotide variant.
Coding change: c.72G>C on transcript NM_012434.5 (MANE Select); coding-DNA position 72, G replaced by C.
Protein change: p.Pro24=; no amino-acid change (proline 24 retained).
Molecular consequence: synonymous variant. On other transcripts: missense variant (2).
Genome position (GRCh38, 1-based): chr6:73,653,815, C>G on the plus strand (G>C on the coding strand, the complement: SLC17A5 is on the minus strand). VCF-style: chr6-73653815-C-G. GRCh37 (hg19) VCF-style: chr6-74363538-C-G.
Other names: c.38G>C, p.Arg13Pro (NM_001382629.1, NM_001382636.1); c.72G>C, p.Pro24= (NM_001382630.1, NM_001382631.1, NM_001382632.1 and 3 more transcripts); short protein forms R13P.
Identifiers: ClinVar variation 932589 (VCV000932589.46), dbSNP rs974333245, ClinGen allele CA140985073.

ClinVar aggregate classification (germline): Likely benign. Review status: criteria provided, multiple submitters, no conflicts (2 of 4 stars). 2 submissions from 2 submitters: Likely benign (2). Last evaluated 2026-08-01.

Conditions:
Salla disease (SD). Also called: Sialuria, Finnish type; N-acetylneuraminic acid (NANA) storage disease (NSD); Less Severe FSASD (Salla Disease); Infantile sialic acid storage disorder (ISSD). Identifiers: Orphanet 309334, Orphanet 834, MedGen C1096903, MONDO:0011449, OMIM 604369.

Allele frequency attached by ClinVar (database versions not stated): gnomAD 0.00003 and 0.00004; TOPMed 0.00003.
gnomAD v4.1: 53 of 1,598,642 alleles (0.0033%); highest among the groups gnomAD compares: Non-Finnish European, 0.0039%; no homozygotes.

Submissions (2):

CeGaT Center for Human Genetics Tuebingen
Classification: Likely benign. Last evaluated: 2026-08-01. Review status: criteria provided, single submitter. Criteria: CeGaT Center For Human Genetics Tuebingen Variant Classification Criteria Version 2. Collection method: clinical testing. Allele origin: germline. Affected: yes. Observed: 2 variant alleles.
Comment: SLC17A5: BP4, BP7

Labcorp Genetics (formerly Invitae), Labcorp
Classification: Likely benign for Salla disease. Last evaluated: 2024-12-23. Review status: criteria provided, single submitter. Criteria: Invitae Variant Classification Sherloc (09022015). Collection method: clinical testing. Allele origin: germline.